The following is an entry in ClinVar:

ClinVar aggregate classification (germline): Uncertain significance (1 of 4 stars; one submission).

Conditions:
Nephrotic syndrome, type 3 (NPHS3). Also called: NEPHROTIC SYNDROME, EARLY-ONSET, TYPE 3. Identifiers: Orphanet 656, MedGen C1853124, MONDO:0012546, OMIM 610725.

gnomAD v4.1: 11 of 1,613,964 alleles (0.00068%); highest among the groups gnomAD compares: Admixed American, 0.0017%; no homozygotes.

Submission:

Institute of Human Genetics, University of Leipzig Medical Center
Classification: Uncertain significance for Nephrotic syndrome, type 3. Last evaluated: 2024-10-14. Review status: criteria provided, single submitter. Criteria: ACMG Guidelines, 2015. Collection method: clinical testing. Allele origin: unknown. Inheritance: Autosomal recessive inheritance. Affected: yes.
Comment: Criteria applied: PM2,PP2,PP3

NM_016341.4(PLCE1):c.3001G>A (p.Gly1001Arg)

Gene: PLCE1 (phospholipase C epsilon 1; plus strand). Cytogenetic location: 10q23.33.
Variant type: single nucleotide variant.
Coding change: c.3001G>A on transcript NM_016341.4 (MANE Select); coding-DNA position 3001, G replaced by A.
Protein change: p.Gly1001Arg; replaces glycine 1001 with arginine.
Molecular consequence: missense variant.
Genome position (GRCh38, 1-based): chr10:94,246,526, G>A. VCF-style: chr10-94246526-G-A. GRCh37 (hg19) VCF-style: chr10-96006283-G-A.
Other names: c.2077G>A, p.Gly693Arg (NM_001165979.2); c.3001G>A, p.Gly1001Arg (NM_001288989.2); short protein forms G1001R, G693R.
Identifiers: ClinVar variation 3376123 (VCV003376123.3).
Genomic context (GRCh38, chr10:94,246,526, plus strand): 5'-ACAGACAACAGATTATTGCACTTCGTGGCACCAAAGCACACAGCTAAAATGCTCTTCAGC[G>A]GATTATTGGAACTCACTAGAGCTGTGAGAAAGATGAGGAAATTCCCTGACCAAAGACAGC-3'
Protein context (NP_057425.3, residues 991-1011): PKHTAKMLFS[Gly1001Arg]LLELTRAVRK